The following is an entry in ClinVar:

NM_000051.4(ATM):c.23T>C (p.Leu8Pro)

Gene: ATM (ATM serine/threonine kinase; plus strand). Cytogenetic location: 11q22.3.
Variant type: single nucleotide variant.
Coding change: c.23T>C on transcript NM_000051.4 (MANE Select); coding-DNA position 23, T replaced by C.
Protein change: p.Leu8Pro; replaces leucine 8 with proline.
Molecular consequence: missense variant.
Genome position (GRCh38, 1-based): chr11:108,227,647, T>C. VCF-style: chr11-108227647-T-C. GRCh37 (hg19) VCF-style: chr11-108098374-T-C.
Other names: c.23T>C, p.Leu8Pro (NM_001351834.2, NM_001351835.2, NM_001351836.2); short protein forms L8P.
Identifiers: ClinVar variation 641026 (VCV000641026.9), dbSNP rs1555053885, ClinGen allele CA382519029.

ClinVar aggregate classification (germline): Uncertain significance. Review status: criteria provided, multiple submitters, no conflicts (2 of 4 stars). 2 submissions from 2 submitters: Uncertain significance (2). Last evaluated 2024-01-22.

Conditions:
Ataxia-telangiectasia syndrome (AT). Also called: LOUIS-BAR SYNDROME; Ataxia-telangiectasia, complementation group E; Ataxia-telangiectasia, complementation group D; AT, COMPLEMENTATION GROUP C; Ataxia telangiectasia (A-T); Cerebello-oculocutaneous telangiectasia. Identifiers: Orphanet 100, MedGen C0004135, MONDO:0008840, OMIM 208900.
Hereditary cancer-predisposing syndrome. Also called: Neoplastic Syndromes, Hereditary; Hereditary Cancer Syndrome; Hereditary neoplastic syndrome; Tumor predisposition. Identifiers: Orphanet 140162, MedGen C0027672, MeSH D009386, MONDO:0015356.

Submissions (2):

Ambry Genetics
Classification: Uncertain significance for Hereditary cancer-predisposing syndrome. Last evaluated: 2024-01-22. Review status: criteria provided, single submitter. Criteria: Ambry Variant Classification Scheme 2023. Collection method: clinical testing. Allele origin: germline.
Comment: The p.L8P variant (also known as c.23T>C), located in coding exon 1 of the ATM gene, results from a T to C substitution at nucleotide position 23. The leucine at codon 8 is replaced by proline, an amino acid with similar properties. This amino acid position is highly conserved in available vertebrate species. In addition, this alteration is predicted to be deleterious by in silico analysis. Based on the available evidence, the clinical significance of this alteration remains unclear.

Labcorp Genetics (formerly Invitae), Labcorp
Classification: Uncertain significance for Ataxia-telangiectasia syndrome. Last evaluated: 2018-08-21. Review status: criteria provided, single submitter. Criteria: Invitae Variant Classification Sherloc (09022015). Collection method: clinical testing. Allele origin: germline.
Comment: In summary, the available evidence is currently insufficient to determine the role of this variant in disease. Therefore, it has been classified as a Variant of Uncertain Significance. Algorithms developed to predict the effect of missense changes on protein structure and function (SIFT, PolyPhen-2, Align-GVGD) all suggest that this variant is likely to be disruptive, but these predictions have not been confirmed by published functional studies and their clinical significance is uncertain. This variant has not been reported in the literature in individuals with ATM-related disease. This variant is not present in population databases (ExAC no frequency). This sequence change replaces leucine with proline at codon 8 of the ATM protein (p.Leu8Pro). The leucine residue is highly conserved and there is a moderate physicochemical difference between leucine and proline.